The following is an entry in ClinVar:

NM_032043.3(BRIP1):c.1141A>G (p.Met381Val)

Gene: BRIP1 (BRCA1 interacting DNA helicase 1; minus strand). Cytogenetic location: 17q23.2.
Variant type: single nucleotide variant.
Coding change: c.1141A>G on transcript NM_032043.3 (MANE Select); coding-DNA position 1141, A replaced by G.
Protein change: p.Met381Val; replaces methionine 381 with valine.
Molecular consequence: missense variant.
Genome position (GRCh38, 1-based): chr17:61,799,299, T>C on the plus strand (A>G on the coding strand, the complement: BRIP1 is on the minus strand). VCF-style: chr17-61799299-T-C. GRCh37 (hg19) VCF-style: chr17-59876660-T-C.
Other names: short protein forms M381V.
Identifiers: ClinVar variation 479441 (VCV000479441.5), dbSNP rs1555607251, ClinGen allele CA400483837.

ClinVar aggregate classification (germline): Uncertain significance (1 of 4 stars; one submission).

Conditions:
Hereditary cancer-predisposing syndrome. Also called: Neoplastic Syndromes, Hereditary; Hereditary Cancer Syndrome; Hereditary neoplastic syndrome; Tumor predisposition. Identifiers: Orphanet 140162, MedGen C0027672, MeSH D009386, MONDO:0015356.

Submission:

Ambry Genetics
Classification: Uncertain significance for Hereditary cancer-predisposing syndrome. Last evaluated: 2016-07-24. Review status: criteria provided, single submitter. Criteria: Ambry Variant Classification Scheme 2023. Collection method: clinical testing. Allele origin: germline.
Comment: The p.M381V variant (also known as c.1141A>G) is located in coding exon 8 of the BRIP1 gene. The methionine at codon 381 is replaced by valine, an amino acid with highly similar properties. This change occurs in the first base pair of coding exon 8. This amino acid position is highly conserved in available vertebrate species. In addition, the in silico prediction for this alteration is inconclusive. Since supporting evidence is limited at this time, the clinical significance of this alteration remains unclear.